The following is an entry in ClinVar:

ClinVar aggregate classification (germline): Likely pathogenic (1 of 4 stars; one submission).

Conditions:
Deficiency of UDPglucose-hexose-1-phosphate uridylyltransferase. Also called: GALACTOSE-1-PHOSPHATE URIDYLYLTRANSFERASE DEFICIENCY; Transferase Deficiency Galactosemia; GALACTOSEMIA I; GALT deficiency; Galactosemia, classic. Identifiers: Orphanet 352, Orphanet 79239, MedGen C0268151, MONDO:0009258, OMIM 230400.

Submission:

Myriad Genetics, Inc.
Classification: Likely pathogenic for Deficiency of UDPglucose-hexose-1-phosphate uridylyltransferase. Last evaluated: 2022-02-27. Review status: criteria provided, single submitter. Criteria: Myriad Women's Health Autosomal Recessive and X-Linked Classification Criteria (2021). Collection method: clinical testing. Allele origin: unknown.
Comment: NM_000155.3(GALT):c.645_646insGAGT(P216Efs*23) is expected to be pathogenic in the context of galactosemia. This variant is predicted to lead to an abnormal or absent protein product due to the creation of a premature termination codon in GALT, a gene where loss-of-function variants are known to be pathogenic. Please note: this variant was assessed in the context of healthy population screening.

NM_000155.4(GALT):c.645_646insGAGT (p.Pro216fs)

Gene: GALT (galactose-1-phosphate uridylyltransferase; plus strand). Cytogenetic location: 9p13.3.
Variant type: Insertion.
Coding change: c.645_646insGAGT on transcript NM_000155.4 (MANE Select); coding-DNA positions 645 to 646, GAGT inserted.
Protein change: p.Pro216fs; shifts the reading frame from proline 216.
Molecular consequence: frameshift variant.
Genome position: GRCh38 VCF-style: chr9-34648414-G-GGAGT. GRCh37 (hg19) VCF-style: chr9-34648411-G-GGAGT.
Other names: c.318_319insGAGT, p.Pro107fs (NM_001258332.2); short protein forms P107fs, P216fs.
Identifiers: ClinVar variation 1724794 (VCV001724794.2), dbSNP rs2492869740, ClinGen allele CA2580080397.